The following is an entry in ClinVar:

ClinVar aggregate classification (germline): Conflicting classifications of pathogenicity. Review status: criteria provided, conflicting classifications (1 of 4 stars). 3 submissions from 3 submitters: Uncertain significance (1); Likely benign (1). 1 of the submissions does not count toward it. Last evaluated 2025-02-14.

Conditions:
3-methylcrotonyl-CoA carboxylase 2 deficiency. Also called: 3 alpha methylcrotonyl-CoA carboxylase 2 deficiency; 3 alpha methylcrotonylglycinuria 2; MCC 2 deficiency; Methylcrotonylglycinuria type 2; METHYLCROTONYLGLYCINURIA, TYPE II. Identifiers: Orphanet 6, MedGen C1859499, MONDO:0008862, OMIM 210210.
Inborn genetic diseases. Identifiers: MedGen C0950123, MeSH D030342.

Allele frequency attached by ClinVar (database versions not stated): TOPMed below 0.00001; gnomAD 0.00001; gnomAD exomes 0.00001 and 0.00003; ExAC 0.00002.
gnomAD v4.1: 15 of 1,614,012 alleles (0.00093%); highest among the groups gnomAD compares: Admixed American, 0.015%; no homozygotes.

Submissions (3):

Ambry Genetics
Classification: Likely benign for Inborn genetic diseases. Last evaluated: 2025-02-14. Review status: criteria provided, single submitter. Criteria: Ambry Variant Classification Scheme 2023. Collection method: clinical testing. Allele origin: germline.

Labcorp Genetics (formerly Invitae), Labcorp
Classification: Uncertain significance for 3-methylcrotonyl-CoA carboxylase 2 deficiency. Last evaluated: 2022-10-18. Review status: criteria provided, single submitter. Criteria: Invitae Variant Classification Sherloc (09022015). Collection method: clinical testing. Allele origin: germline.
Comment: This sequence change replaces valine, which is neutral and non-polar, with isoleucine, which is neutral and non-polar, at codon 370 of the MCCC2 protein (p.Val370Ile). This variant is present in population databases (rs760363054, gnomAD 0.03%). This variant has not been reported in the literature in individuals affected with MCCC2-related conditions. ClinVar contains an entry for this variant (Variation ID: 935128). Advanced modeling of protein sequence and biophysical properties (such as structural, functional, and spatial information, amino acid conservation, physicochemical variation, residue mobility, and thermodynamic stability) performed at Invitae indicates that this missense variant is not expected to disrupt MCCC2 protein function. In summary, the available evidence is currently insufficient to determine the role of this variant in disease. Therefore, it has been classified as a Variant of Uncertain Significance.

Natera, Inc.
Classification: Uncertain significance for 3-methylcrotonyl-CoA carboxylase 2 deficiency. Last evaluated: 2021-10-12. Review status: no assertion criteria provided. Collection method: clinical testing. Allele origin: germline. Not counted in ClinVar's aggregate classification.

NM_022132.5(MCCC2):c.1108G>A (p.Val370Ile)

Gene: MCCC2 (methylcrotonyl-CoA carboxylase subunit 2; plus strand). Cytogenetic location: 5q13.2.
Variant type: single nucleotide variant.
Coding change: c.1108G>A on transcript NM_022132.5 (MANE Select); coding-DNA position 1108, G replaced by A.
Protein change: p.Val370Ile; replaces valine 370 with isoleucine.
Molecular consequence: missense variant.
Genome position (GRCh38, 1-based): chr5:71,643,854, G>A. VCF-style: chr5-71643854-G-A. GRCh37 (hg19) VCF-style: chr5-70939681-G-A.
Other names: c.994G>A, p.Val332Ile (NM_001363147.1); short protein forms V332I, V370I.
Identifiers: ClinVar variation 935128 (VCV000935128.11), dbSNP rs760363054, ClinGen allele CA3298029.